The following is an entry in ClinVar:

NM_000237.3(LPL):c.*1167C>A

Gene: LPL (lipoprotein lipase; plus strand). Cytogenetic location: 8p21.3.
Variant type: single nucleotide variant.
Coding change: c.*1167C>A on transcript NM_000237.3 (MANE Select); 1167 bases downstream of the stop codon, C replaced by A.
Molecular consequence: 3 prime UTR variant.
Genome position (GRCh38, 1-based): chr8:19,966,477, C>A. VCF-style: chr8-19966477-C-A. GRCh37 (hg19) VCF-style: chr8-19823988-C-A.
Identifiers: ClinVar variation 362438 (VCV000362438.29), dbSNP rs150252331, ClinGen allele CA10627403.

ClinVar aggregate classification (germline): Likely benign. Review status: criteria provided, multiple submitters, no conflicts (2 of 4 stars). 2 submissions from 2 submitters: Likely benign (2). Last evaluated 2022-05-01.

Conditions:
Hyperlipoproteinemia, type I. Also called: Lipase D deficiency; Familial Lipoprotein Lipase Deficiency; Familial hyperlipo-proteinemia type 1; Hyperlipemia essential familial; HYPERLIPOPROTEINEMIA, TYPE IA; LPL DEFICIENCY. Identifiers: Orphanet 309015, Orphanet 444490, MedGen C0023817, MONDO:0009387, OMIM 238600. Disease mechanism: loss of function.

Allele frequency attached by ClinVar (database versions not stated): 1000 Genomes Project 30x 0.00172; 1000 Genomes Project 0.00200; TOPMed 0.00528; gnomAD 0.00576 and 0.00597.

Submissions (2):

CeGaT Center for Human Genetics Tuebingen
Classification: Likely benign. Last evaluated: 2022-05-01. Review status: criteria provided, single submitter. Criteria: CeGaT Center For Human Genetics Tuebingen Variant Classification Criteria Version 2. Collection method: clinical testing. Allele origin: germline. Affected: yes. Observed: 1 variant allele.
Comment: LPL: BS2

Illumina Laboratory Services, Illumina
Classification: Likely benign for Hyperlipoproteinemia, type I. Last evaluated: 2018-01-13. Review status: criteria provided, single submitter. Criteria: ICSL Variant Classification Criteria 13 December 2019. Collection method: clinical testing. Allele origin: germline.
Comment: This variant was observed in the ICSL laboratory as part of a predisposition screen in an ostensibly healthy population. It had not been previously curated by ICSL or reported in the Human Gene Mutation Database (HGMD: prior to June 1st, 2018), and was therefore a candidate for classification through an automated scoring system. Utilizing variant allele frequency, disease prevalence and penetrance estimates, and inheritance mode, an automated score was calculated to assess if this variant is too frequent to cause the disease. Based on the score and internal cut-off values, a variant classified as likely benign is not then subjected to further curation. The score for this variant resulted in a classification of likely benign for this disease.